The following is an entry in ClinVar:

NM_019032.6(ADAMTSL4):c.1378G>A (p.Gly460Ser)

Genes: ADAMTSL4 (ADAMTS like 4; plus strand), ADAMTSL4-AS2 (ADAMTSL4 antisense RNA 2; minus strand). Cytogenetic location: 1q21.2.
Variant type: single nucleotide variant.
Coding change: c.1378G>A on transcript NM_019032.6 (MANE Select); coding-DNA position 1378, G replaced by A.
Protein change: p.Gly460Ser; replaces glycine 460 with serine.
Molecular consequence: missense variant.
Genome position (GRCh38, 1-based): chr1:150,556,168, G>A. VCF-style: chr1-150556168-G-A. GRCh37 (hg19) VCF-style: chr1-150528644-G-A.
Other names: c.1378G>A, p.Gly460Ser (NM_001378596.1, NM_025008.5); c.1447G>A, p.Gly483Ser (NM_001288607.2, NM_001288608.2); c.1378G>A (NM_019032.4); short protein forms G460S, G483S.
Identifiers: ClinVar variation 626057 (VCV000626057.7), dbSNP rs587749107, ClinGen allele CA1078263.
Genomic context (GRCh38, chr1:150,556,168, plus strand): 5'-GGTTGAGGTGGTGTCTGGCGTTCTGTGGCCACTGCCTCACCTCACTCTCTCCAGAGCCCC[G>A]GCTGTGATGGGATCCTTGGCTCTGGCAGGCGTCCTGATGGCTGTGGAGTCTGTGGGGGTG-3'
Protein context (NP_061905.2, residues 450-470): ICVAGRCLSP[Gly460Ser]CDGILGSGRR

ClinVar aggregate classification (germline): Uncertain significance. Review status: criteria provided, multiple submitters, no conflicts (2 of 4 stars). 5 submissions from 4 submitters: Uncertain significance (5). Last evaluated 2025-02-07.

Conditions:
Inborn genetic diseases. Identifiers: MedGen C0950123, MeSH D030342.
Ectopia lentis et pupillae. Also called: ECTOPIA LENTIS WITH ECTOPIA OF PUPIL. Identifiers: Orphanet 1885, MedGen C1644196, MONDO:0009153, OMIM 225200.
Ectopia lentis 2, isolated, autosomal recessive (ECTOL2). Identifiers: Orphanet 1885, MedGen C3541474, MONDO:0009152, OMIM 225100.

Allele frequency attached by ClinVar (database versions not stated): gnomAD exomes 0.00001; gnomAD 0.00002; TOPMed 0.00005.
gnomAD v4.1: 27 of 1,614,056 alleles (0.0017%); highest among the groups gnomAD compares: Admixed American, 0.028%; no homozygotes.

Submissions (5):

Ambry Genetics
Classification: Uncertain significance for Inborn genetic diseases. Last evaluated: 2025-02-07. Review status: criteria provided, single submitter. Criteria: Ambry Variant Classification Scheme 2023. Collection method: clinical testing. Allele origin: germline.

Genome-Nilou Lab
Classification: Uncertain significance for Ectopia lentis et pupillae. Last evaluated: 2023-04-11. Review status: criteria provided, single submitter. Criteria: ACMG Guidelines, 2015. Collection method: clinical testing. Allele origin: germline. Affected: no.

Genome-Nilou Lab
Classification: Uncertain significance for Ectopia lentis 2, isolated, autosomal recessive. Last evaluated: 2023-04-11. Review status: criteria provided, single submitter. Criteria: ACMG Guidelines, 2015. Collection method: clinical testing. Allele origin: germline. Affected: no.

Labcorp Genetics (formerly Invitae), Labcorp
Classification: Uncertain significance. Last evaluated: 2022-08-07. Review status: criteria provided, single submitter. Criteria: Invitae Variant Classification Sherloc (09022015). Collection method: clinical testing. Allele origin: germline.
Comment: This sequence change replaces glycine, which is neutral and non-polar, with serine, which is neutral and polar, at codon 460 of the ADAMTSL4 protein (p.Gly460Ser). This variant is present in population databases (rs587749107, gnomAD 0.03%). This variant has not been reported in the literature in individuals affected with ADAMTSL4-related conditions. ClinVar contains an entry for this variant (Variation ID: 626057). Algorithms developed to predict the effect of missense changes on protein structure and function (SIFT, PolyPhen-2, Align-GVGD) all suggest that this variant is likely to be disruptive. In summary, the available evidence is currently insufficient to determine the role of this variant in disease. Therefore, it has been classified as a Variant of Uncertain Significance.

Center for Genomics, Ann and Robert H. Lurie Children's Hospital of Chicago
Classification: Uncertain significance for Ectopia lentis et pupillae; Ectopia lentis 2, isolated, autosomal recessive. Review status: criteria provided, single submitter. Criteria: ACMG Guidelines, 2015. Collection method: clinical testing. Allele origin: germline.
Comment: ADAMTSL4 NM_019032.5 exon 9 p.Gly460Ser (c.1378G>A):This variant has not been reported in the literature but is present in 12/34420 Latino alleles in the Genome Aggregation Database. Evolutionary conservation and computational predictive tools suggest that this variant may impact the protein. In summary, data on this variant is insufficient for disease classification. Therefore, the clinical significance of this variant is uncertain.